The following is an entry in ClinVar:

NM_002691.4(POLD1):c.3075G>A (p.Val1025=)

Gene: POLD1 (DNA polymerase delta 1, catalytic subunit; plus strand). Cytogenetic location: 19q13.33.
Variant type: single nucleotide variant.
Coding change: c.3075G>A on transcript NM_002691.4 (MANE Select); coding-DNA position 3075, G replaced by A.
Protein change: p.Val1025=; no amino-acid change (valine 1025 retained).
Molecular consequence: synonymous variant. On other transcripts: non-coding transcript variant (1).
Genome position (GRCh38, 1-based): chr19:50,417,052, G>A. VCF-style: chr19-50417052-G-A. GRCh37 (hg19) VCF-style: chr19-50920309-G-A.
Other names: c.3075G>A, p.Val1025= (NM_001256849.1); c.3153G>A, p.Val1051= (NM_001308632.1).
Identifiers: ClinVar variation 508252 (VCV000508252.12), dbSNP rs1193447184, ClinGen allele CA508186491.

ClinVar aggregate classification (germline): Likely benign. Review status: criteria provided, multiple submitters, no conflicts (2 of 4 stars). 3 submissions from 3 submitters: Likely benign (3). Last evaluated 2023-07-25.

Conditions:
Hereditary cancer-predisposing syndrome. Also called: Tumor predisposition; Hereditary Cancer Syndrome; Hereditary neoplastic syndrome; Neoplastic Syndromes, Hereditary. Identifiers: Orphanet 140162, MedGen C0027672, MeSH D009386, MONDO:0015356.
POLD1-related polyposis and colorectal cancer syndrome (CRCS10). Also called: Colorectal cancer 10; COLORECTAL CANCER, SUSCEPTIBILITY TO, ON CHROMOSOME 19q; Colorectal cancer, susceptibility to, 10. Identifiers: Orphanet 220460, MedGen C2675481, MONDO:0012953, OMIM 612591.

Allele frequency attached by ClinVar (database versions not stated): TOPMed below 0.00001.

Submissions (3):

Labcorp Genetics (formerly Invitae), Labcorp
Classification: Likely benign for POLD1-related polyposis and colorectal cancer syndrome. Last evaluated: 2023-07-25. Review status: criteria provided, single submitter. Criteria: Invitae Variant Classification Sherloc (09022015). Collection method: clinical testing. Allele origin: germline.

Ambry Genetics
Classification: Likely benign for Hereditary cancer-predisposing syndrome. Last evaluated: 2020-05-12. Review status: criteria provided, single submitter. Criteria: Ambry Variant Classification Scheme 2023. Collection method: clinical testing. Allele origin: germline.

GeneDx
Classification: Likely benign. Last evaluated: 2017-03-21. Review status: criteria provided, single submitter. Criteria: GeneDx Variant Classification (06012015). Collection method: clinical testing. Allele origin: germline. Affected: yes.
Comment: This variant is considered likely benign or benign based on one or more of the following criteria: it is a conservative change, it occurs at a poorly conserved position in the protein, it is predicted to be benign by multiple in silico algorithms, and/or has population frequency not consistent with disease.